The following is an entry in ClinVar:

NM_000548.5(TSC2):c.2045G>C (p.Gly682Ala)

Gene: TSC2 (TSC complex subunit 2; plus strand). Cytogenetic location: 16p13.3.
Variant type: single nucleotide variant.
Coding change: c.2045G>C on transcript NM_000548.5 (MANE Select); coding-DNA position 2045, G replaced by C.
Protein change: p.Gly682Ala; replaces glycine 682 with alanine.
Molecular consequence: missense variant.
Genome position (GRCh38, 1-based): chr16:2,071,882, G>C. VCF-style: chr16-2071882-G-C. GRCh37 (hg19) VCF-style: chr16-2121883-G-C.
Other names: c.2045G>C, p.Gly682Ala (NM_001077183.3, NM_001114382.3, NM_001363528.2 and 3 more transcripts); c.1934G>C, p.Gly645Ala (NM_001318827.2); c.1898G>C, p.Gly633Ala (NM_001318829.2); c.1445G>C, p.Gly482Ala (NM_001318831.2); c.2078G>C, p.Gly693Ala (NM_001318832.2); short protein forms G633A, G482A, G645A, G682A, G693A.
Identifiers: ClinVar variation 1506748 (VCV001506748.11), dbSNP rs1567465004, ClinGen allele CA394274582.
Genomic context (GRCh38, chr16:2,071,882, plus strand): 5'-CCCTTTCTCCTCCCACAGGGCCTCCTGGCCCGGCGCCTGCAGGCCCCGCCGTGCGGCTGG[G>C]GTCCGTGCCCTACTCCCTGCTCTTCCGCGTCCTGCTGCAGTGCTTGAAGCAGGTGAGTGG-3'
Protein context (NP_000539.2, residues 672-692): PAPAGPAVRL[Gly682Ala]SVPYSLLFRV

ClinVar aggregate classification (germline): Uncertain significance. Review status: criteria provided, multiple submitters, no conflicts (2 of 4 stars). 2 submissions from 2 submitters: Uncertain significance (2). Last evaluated 2024-07-24.

Conditions:
Tuberous sclerosis 2 (TSC2). Identifiers: Orphanet 805, MedGen C1860707, MONDO:0013199, OMIM 613254.
Hereditary cancer-predisposing syndrome. Also called: Tumor predisposition; Hereditary neoplastic syndrome; Neoplastic Syndromes, Hereditary; Hereditary Cancer Syndrome. Identifiers: Orphanet 140162, MedGen C0027672, MeSH D009386, MONDO:0015356.

Allele frequency attached by ClinVar (database versions not stated): gnomAD 0.00001.
gnomAD v4.1: 1 of 1,597,472 alleles (0.000063%); highest among the groups gnomAD compares: Non-Finnish European, 0.000085%; no homozygotes.

Submissions (2):

Ambry Genetics
Classification: Uncertain significance for Hereditary cancer-predisposing syndrome. Last evaluated: 2024-07-24. Review status: criteria provided, single submitter. Criteria: Ambry Variant Classification Scheme 2023. Collection method: clinical testing. Allele origin: germline.
Comment: The p.G682A variant (also known as c.2045G>C), located in coding exon 18 of the TSC2 gene, results from a G to C substitution at nucleotide position 2045. The glycine at codon 682 is replaced by alanine, an amino acid with similar properties. This amino acid position is well conserved in available vertebrate species. In addition, the in silico prediction for this alteration is inconclusive. Since supporting evidence is limited at this time, the clinical significance of this alteration remains unclear.

Labcorp Genetics (formerly Invitae), Labcorp
Classification: Uncertain significance for Tuberous sclerosis 2. Last evaluated: 2020-12-24. Review status: criteria provided, single submitter. Criteria: Invitae Variant Classification Sherloc (09022015). Collection method: clinical testing. Allele origin: germline.
Comment: In summary, the available evidence is currently insufficient to determine the role of this variant in disease. Therefore, it has been classified as a Variant of Uncertain Significance. Advanced modeling of protein sequence and biophysical properties (such as structural, functional, and spatial information, amino acid conservation, physicochemical variation, residue mobility, and thermodynamic stability) performed at Invitae indicates that this missense variant is not expected to disrupt TSC2 protein function. This variant has not been reported in the literature in individuals with TSC2-related conditions. This variant is not present in population databases (ExAC no frequency). This sequence change replaces glycine with alanine at codon 682 of the TSC2 protein (p.Gly682Ala). The glycine residue is moderately conserved and there is a small physicochemical difference between glycine and alanine.